The following is an entry in ClinVar:

ClinVar aggregate classification (germline): Pathogenic/Likely pathogenic. Review status: criteria provided, multiple submitters, no conflicts (2 of 4 stars). 10 submissions from 10 submitters: Pathogenic (8); Likely pathogenic (1). 1 of the submissions does not count toward it. Last evaluated 2025-04-09.
ClinVar aggregate classification (oncogenicity): Oncogenic (1 of 4 stars; one submission).

Conditions:
Familial cancer of breast. Also called: hereditary breast carcinoma; BREAST CANCER, FAMILIAL; Hereditary breast cancer. Identifiers: Orphanet 227535, MedGen C0346153, MONDO:0016419, OMIM 114480. Disease mechanism: loss of function.
Ataxia-telangiectasia syndrome (AT). Also called: LOUIS-BAR SYNDROME; Ataxia telangiectasia (A-T); Ataxia-telangiectasia, complementation group D; AT, COMPLEMENTATION GROUP C; Ataxia-telangiectasia; ATAXIA-TELANGIECTASIA, COMPLEMENTATION GROUP A. Identifiers: Orphanet 100, MedGen C0004135, MONDO:0008840, OMIM 208900.
ATM-related cancer predisposition. Also called: ATM-related cancer susceptibility. Identifiers: MedGen CN377759, MONDO:0700270.
Inherited breast cancer and ovarian cancer.
Hereditary cancer-predisposing syndrome. Also called: Hereditary neoplastic syndrome; Neoplastic Syndromes, Hereditary; Hereditary Cancer Syndrome; Tumor predisposition. Identifiers: Orphanet 140162, MedGen C0027672, MeSH D009386, MONDO:0015356.
Neoplasm. Also called: tumor; Neoplasms; Neoplasm (disease). Identifiers: MedGen C0027651, MeSH D009369, MONDO:0005070, HP:0002664.

Allele frequency attached by ClinVar (database versions not stated): gnomAD exomes below 0.00001; ExAC 0.00001.
gnomAD v4.1: 5 of 1,613,818 alleles (0.00031%); highest among the groups gnomAD compares: Non-Finnish European, 0.00042%; no homozygotes.

Submissions (11):

Center for Genomic Medicine, Rigshospitalet, Copenhagen University Hospital
Classification: Oncogenic for Neoplasm. Last evaluated: 2026-10-16. Review status: criteria provided, single submitter. Criteria: ClinGen/CGC/VICC Guidelines for Oncogenicity, 2022. Collection method: clinical testing. Allele origin: somatic. Affected: yes.

NHS Central & South Genomic Laboratory Hub
Classification: Pathogenic for Inherited breast cancer and ovarian cancer. Last evaluated: 2025-04-09. Review status: criteria provided, single submitter. Criteria: ACMG Guidelines, 2015. Collection method: clinical testing. Allele origin: germline. Affected: yes.

Ambry Genetics
Classification: Pathogenic for Hereditary cancer-predisposing syndrome. Last evaluated: 2024-12-26. Review status: criteria provided, single submitter. Criteria: Ambry Variant Classification Scheme 2023. Collection method: clinical testing. Allele origin: germline.
Comment: The p.Q1852* pathogenic mutation (also known as c.5554C>T), located in coding exon 36 of the ATM gene, results from a C to T substitution at nucleotide position 5554. This changes the amino acid from a glutamine to a stop codon within coding exon 36. This alteration has been identified in a cohort of high-risk breast/ovarian cancer patients and has been reported in at least one subject in a study of 13087 breast cancer cases and 5488 control individuals in the UK (Cast&eacute;ra L et al. Eur. J. Hum. Genet. 2014 Nov;22:1305-13; Decker B et al. J. Med. Genet. 2017 11;54:732-741). This alteration was also reported as an actionable incidental pathological finding in an individual with a family history of female breast and pancreatic cancer and brain tumor from a cohort of 200 individuals with cardiovascular disease undergoing whole exome sequencing (Seidelmann SB et al. Circ Cardiovasc Genet. 2017 Feb;10:). In addition to the information presented in the literature, this alteration is expected to result in loss of function by premature protein truncation or nonsense-mediated mRNA decay. As such, this alteration is interpreted as a disease-causing mutation.

Color Diagnostics, LLC DBA Color Health
Classification: Pathogenic for Hereditary cancer-predisposing syndrome. Last evaluated: 2024-11-05. Review status: criteria provided, single submitter. Criteria: ACMG Guidelines, 2015. Collection method: clinical testing. Allele origin: germline.
Comment: This variant changes 1 nucleotide in exon 37/63 of the ATM gene, creating a premature translation stop signal. This variant is expected to result in an absent or non-functional protein product. This variant has been reported in individuals with a personal and/or family history of breast and/or ovarian cancer (PMID: 24549055, 28087566, 28779002, 32802943). This variant has been identified in 1/250986 chromosomes in the general population by the Genome Aggregation Database (gnomAD). Loss of ATM function is a known mechanism of disease. Based on the available evidence, this variant is classified as Pathogenic.

Molecular Pathology, Peter Maccallum Cancer Centre
Classification: Pathogenic for Ataxia-telangiectasia syndrome. Last evaluated: 2024-09-03. Review status: criteria provided, single submitter. Criteria: ACMG Guidelines, 2015. Collection method: clinical testing. Allele origin: germline. Inheritance: Autosomal recessive inheritance.

Myriad Genetics, Inc.
Classification: Pathogenic for Familial cancer of breast. Last evaluated: 2024-01-25. Review status: criteria provided, single submitter. Criteria: Myriad Autosomal Dominant, Autosomal Recessive and X-Linked Classification Criteria (2023). Collection method: clinical testing. Allele origin: unknown.
Comment: This variant is considered pathogenic. This variant creates a termination codon and is predicted to result in premature protein truncation.

Baylor Genetics
Classification: Pathogenic for Familial cancer of breast. Last evaluated: 2023-06-26. Review status: criteria provided, single submitter. Criteria: ACMG Guidelines, 2015. Collection method: clinical testing. Allele origin: unknown.

Labcorp Genetics (formerly Invitae), Labcorp
Classification: Pathogenic for Ataxia-telangiectasia syndrome. Last evaluated: 2023-02-08. Review status: criteria provided, single submitter. Criteria: Invitae Variant Classification Sherloc (09022015). Collection method: clinical testing. Allele origin: germline.
Comment: Algorithms developed to predict the effect of sequence changes on RNA splicing suggest that this variant may create or strengthen a splice site. This premature translational stop signal has been observed in individual(s) with personal or family history of breast and/or ovarian cancer (PMID: 24549055, 28779002). ClinVar contains an entry for this variant (Variation ID: 370611). For these reasons, this variant has been classified as Pathogenic. This variant is present in population databases (rs754562056, gnomAD 0.0009%). This sequence change creates a premature translational stop signal (p.Gln1852*) in the ATM gene. It is expected to result in an absent or disrupted protein product. Loss-of-function variants in ATM are known to be pathogenic (PMID: 23807571, 25614872).

Genetics and Molecular Pathology, SA Pathology
Classification: Likely pathogenic for Familial cancer of breast. Last evaluated: 2022-05-30. Review status: criteria provided, single submitter. Criteria: ACMG Guidelines, 2015. Collection method: clinical testing. Allele origin: germline. Affected: yes.

Department of Pathology and Laboratory Medicine, Sinai Health System
Classification: Pathogenic for ATM-related cancer predisposition. Last evaluated: 2022-01-14. Review status: criteria provided, single submitter. Criteria: ACMG Guidelines, 2015. Collection method: clinical testing. Allele origin: germline. Affected: no.

Counsyl
Classification: Likely pathogenic for Ataxia-telangiectasia syndrome. Last evaluated: 2016-03-10. Review status: no assertion criteria provided. Collection method: clinical testing. Allele origin: unknown. Not counted in ClinVar's aggregate classification.

Literature cited by the submitters: PubMed 24549055 (cited by 4 submitters); PubMed 28087566 (cited by Ambry Genetics and Color Diagnostics, LLC DBA Color Health); PubMed 28779002 (cited by 4 submitters); PubMed 32802943 (cited by Color Diagnostics, LLC DBA Color Health); PubMed 23807571 (cited by Labcorp Genetics (formerly Invitae), Labcorp); PubMed 25614872 (cited by Labcorp Genetics (formerly Invitae), Labcorp).

NM_000051.4(ATM):c.5554C>T (p.Gln1852Ter)

Gene: ATM (ATM serine/threonine kinase; plus strand). Cytogenetic location: 11q22.3.
Variant type: single nucleotide variant.
Coding change: c.5554C>T on transcript NM_000051.4 (MANE Select); coding-DNA position 5554, C replaced by T.
Protein change: p.Gln1852Ter; replaces glutamine 1852 with a stop codon.
Molecular consequence: nonsense.
Genome position (GRCh38, 1-based): chr11:108,304,732, C>T. VCF-style: chr11-108304732-C-T. GRCh37 (hg19) VCF-style: chr11-108175459-C-T.
Other names: c.5554C>T, p.Gln1852Ter (NM_001351834.2); short protein forms Q1852*.
Identifiers: ClinVar variation 370611 (VCV000370611.23), dbSNP rs754562056, ClinGen allele CA6265729.